The following is an entry in ClinVar:

ClinVar aggregate classification (germline): Uncertain significance (1 of 4 stars; one submission).

Conditions:
LAMB2-related infantile-onset nephrotic syndrome. Also called: NEPHROTIC SYNDROME, TYPE 5, WITHOUT OCULAR ABNORMALITIES; NEPHROTIC SYNDROME, TYPE 5, WITH OCULAR ABNORMALITIES; Nephrotic Syndrome, type 5. Identifiers: Orphanet 306507, MedGen C3280113, MONDO:0013621, OMIM 614199.
Pierson syndrome. Also called: MICROCORIA-CONGENITAL NEPHROTIC SYNDROME. Identifiers: Orphanet 2670, MedGen C1836876, MONDO:0012184, OMIM 609049.

Allele frequency attached by ClinVar (database versions not stated): TOPMed below 0.00001; gnomAD exomes 0.00001; ExAC 0.00002.
gnomAD v4.1: 11 of 1,614,188 alleles (0.00068%); highest among the groups gnomAD compares: Admixed American, 0.0017%; no homozygotes.

Submission:

Labcorp Genetics (formerly Invitae), Labcorp
Classification: Uncertain significance for LAMB2-related infantile-onset nephrotic syndrome; Pierson syndrome. Last evaluated: 2023-12-23. Review status: criteria provided, single submitter. Criteria: Invitae Variant Classification Sherloc (09022015). Collection method: clinical testing. Allele origin: germline.
Comment: This sequence change replaces arginine, which is basic and polar, with cysteine, which is neutral and slightly polar, at codon 1009 of the LAMB2 protein (p.Arg1009Cys). This variant is present in population databases (rs747360121, gnomAD 0.003%). This variant has not been reported in the literature in individuals affected with LAMB2-related conditions. An algorithm developed to predict the effect of missense changes on protein structure and function (PolyPhen-2) suggests that this variant is likely to be disruptive. In summary, the available evidence is currently insufficient to determine the role of this variant in disease. Therefore, it has been classified as a Variant of Uncertain Significance.

NM_002292.4(LAMB2):c.3025C>T (p.Arg1009Cys)

Gene: LAMB2 (laminin subunit beta 2; minus strand). Cytogenetic location: 3p21.31.
Variant type: single nucleotide variant.
Coding change: c.3025C>T on transcript NM_002292.4 (MANE Select); coding-DNA position 3025, C replaced by T.
Protein change: p.Arg1009Cys; replaces arginine 1009 with cysteine.
Molecular consequence: missense variant.
Genome position (GRCh38, 1-based): chr3:49,124,785, G>A on the plus strand (C>T on the coding strand, the complement: LAMB2 is on the minus strand). VCF-style: chr3-49124785-G-A. GRCh37 (hg19) VCF-style: chr3-49162218-G-A.
Other names: short protein forms R1009C.
Identifiers: ClinVar variation 2944996 (VCV002944996.1), dbSNP rs747360121, ClinGen allele CA2394140.